The following is an entry in ClinVar:

ClinVar aggregate classification (germline): Uncertain significance (1 of 4 stars; one submission).

Allele frequency attached by ClinVar (database versions not stated): gnomAD exomes 0.00001 and 0.00003; gnomAD 0.00002 and 0.00003; TOPMed 0.00002.
gnomAD v4.1: 13 of 1,546,592 alleles (0.00084%); highest among the groups gnomAD compares: Admixed American, 0.016%; no homozygotes.

Submission:

Labcorp Genetics (formerly Invitae), Labcorp
Classification: Uncertain significance. Last evaluated: 2025-08-23. Review status: criteria provided, single submitter. Criteria: Invitae Variant Classification Sherloc (09022015). Collection method: clinical testing. Allele origin: germline.
Comment: This sequence change creates a premature translational stop signal (p.Gln99*) in the DTHD1 gene. It is expected to result in an absent or disrupted protein product. However, the current clinical and genetic evidence is not sufficient to establish whether loss-of-function variants in DTHD1 cause disease. This variant is present in population databases (no rsID available, gnomAD 0.01%). This variant has not been reported in the literature in individuals affected with DTHD1-related conditions. ClinVar contains an entry for this variant (Variation ID: 1058692). Algorithms developed to predict the effect of sequence changes on RNA splicing suggest that this variant may disrupt the consensus splice site. In summary, the available evidence is currently insufficient to determine the role of this variant in disease. Therefore, it has been classified as a Variant of Uncertain Significance.

NM_001170700.3(DTHD1):c.1165C>T (p.Gln389Ter)

Gene: DTHD1 (death domain containing 1; plus strand). Cytogenetic location: 4p14.
Variant type: single nucleotide variant.
Coding change: c.1165C>T on transcript NM_001170700.3 (MANE Select); coding-DNA position 1165, C replaced by T.
Protein change: p.Gln389Ter; replaces glutamine 389 with a stop codon.
Molecular consequence: nonsense. On other transcripts: non-coding transcript variant (2).
Genome position (GRCh38, 1-based): chr4:36,290,650, C>T. VCF-style: chr4-36290650-C-T. GRCh37 (hg19) VCF-style: chr4-36292272-C-T.
Other names: c.295C>T, p.Gln99Ter (NM_001136536.5, NM_001378435.1); short protein forms Q389*, Q99*.
Identifiers: ClinVar variation 1058692 (VCV001058692.7), dbSNP rs1334979739, ClinGen allele CA356679187.
Genomic context (GRCh38, chr4:36,290,650, plus strand): 5'-ACTGCACGTTACAGAGGAAATTACAGAGATATCATGGTGAAAGTGTGTGACATAAACCTT[C>T]AATCAAGTTACCTAAACCCAAATTCACTAGAAGGAATGAAGGGAGGTTATAAGGTTAGTA-3'